The following is an entry in ClinVar:

NM_001364564.1(SALL2):c.2861A>G (p.Lys954Arg)

Gene: SALL2 (spalt like transcription factor 2; minus strand). Cytogenetic location: 14q11.2.
Variant type: single nucleotide variant.
Coding change: c.2861A>G on transcript NM_001364564.1 (MANE Select); coding-DNA position 2861, A replaced by G.
Protein change: p.Lys954Arg; replaces lysine 954 with arginine.
Molecular consequence: missense variant.
Genome position (GRCh38, 1-based): chr14:21,522,861, T>C on the plus strand (A>G on the coding strand, the complement: SALL2 is on the minus strand). VCF-style: chr14-21522861-T-C. GRCh37 (hg19) VCF-style: chr14-21990995-T-C.
Other names: c.2456A>G, p.Lys819Arg (NM_001291447.2); c.2867A>G, p.Lys956Arg (NM_005407.3); c.2462A>G, p.Lys821Arg (NM_001291446.2); short protein forms K956R, K819R, K821R, K954R.
Identifiers: ClinVar variation 3725845 (VCV003725845.2).
Genomic context (GRCh38, chr14:21,522,861, plus strand): 5'-TTCTGAGGGCCATGGGGGGCAAAGGGCTGTACCTGGTGGTGTGCCAGGAGCATATGCTTC[T>C]TGAGGGTAGCCCGCTCAAGAAAGCCCTGCCTGCAGAAAACACAAGTGAAGAGCGGCCCCT-3'
Protein context (NP_001351493.1, residues 944-964): RQGFLERATL[Lys954Arg]KHMLLAHHQV

ClinVar aggregate classification (germline): Uncertain significance (1 of 4 stars; one submission).

Submission:

Labcorp Genetics (formerly Invitae), Labcorp
Classification: Uncertain significance. Last evaluated: 2024-11-22. Review status: criteria provided, single submitter. Criteria: Invitae Variant Classification Sherloc (09022015). Collection method: clinical testing. Allele origin: germline.
Comment: This sequence change replaces lysine, which is basic and polar, with arginine, which is basic and polar, at codon 956 of the SALL2 protein (p.Lys956Arg). This variant is not present in population databases (gnomAD no frequency). This variant has not been reported in the literature in individuals affected with SALL2-related conditions. An algorithm developed to predict the effect of missense changes on protein structure and function (PolyPhen-2) suggests that this variant is likely to be disruptive. In summary, the available evidence is currently insufficient to determine the role of this variant in disease. Therefore, it has been classified as a Variant of Uncertain Significance.